The following is an entry in ClinVar:

NM_005002.5(NDUFA9):c.199C>T (p.Arg67Ter)

Gene: NDUFA9 (NADH:ubiquinone oxidoreductase subunit A9; plus strand). Cytogenetic location: 12p13.32.
Variant type: single nucleotide variant.
Coding change: c.199C>T on transcript NM_005002.5 (MANE Select); coding-DNA position 199, C replaced by T.
Protein change: p.Arg67Ter; replaces arginine 67 with a stop codon.
Molecular consequence: nonsense.
Genome position (GRCh38, 1-based): chr12:4,654,441, C>T. VCF-style: chr12-4654441-C-T. GRCh37 (hg19) VCF-style: chr12-4763607-C-T.
Other names: short protein forms R67*.
Identifiers: ClinVar variation 1675278 (VCV001675278.7), dbSNP rs758574474, ClinGen allele CA6398015.
Genomic context (GRCh38, chr12:4,654,441, plus strand): 5'-GGACGTTCCTCAGTCAGTGGGATTGTGGCCACTGTGTTTGGAGCAACAGGATTCCTGGGG[C>T]GATATGTTGTCAACCACCTTGGTAAGTAAAGTTCCTTAAGTTCATATGCTCCATTGCCAT-3'

ClinVar aggregate classification (germline): Conflicting classifications of pathogenicity. Review status: criteria provided, conflicting classifications (1 of 4 stars). 2 submissions from 2 submitters: Likely pathogenic (1); Uncertain significance (1). Last evaluated 2021-12-30.

Allele frequency attached by ClinVar (database versions not stated): TOPMed below 0.00001; ExAC 0.00001; gnomAD 0.00001; gnomAD exomes 0.00001.
gnomAD v4.1: 12 of 1,613,904 alleles (0.00074%); highest among the groups gnomAD compares: African/African-American, 0.0013%; no homozygotes.

Submissions (2):

Labcorp Genetics (formerly Invitae), Labcorp
Classification: Uncertain significance. Last evaluated: 2021-12-30. Review status: criteria provided, single submitter. Criteria: Invitae Variant Classification Sherloc (09022015). Collection method: clinical testing. Allele origin: germline.
Comment: In summary, the available evidence is currently insufficient to determine the role of this variant in disease. Therefore, it has been classified as a Variant of Uncertain Significance. This variant has not been reported in the literature in individuals affected with NDUFA9-related conditions. This variant is present in population databases (rs758574474, gnomAD 0.006%). This sequence change creates a premature translational stop signal (p.Arg67*) in the NDUFA9 gene. It is expected to result in an absent or disrupted protein product. However, the current clinical and genetic evidence is not sufficient to establish whether loss-of-function variants in NDUFA9 cause disease.

GeneDx
Classification: Likely pathogenic. Last evaluated: 2021-10-04. Review status: criteria provided, single submitter. Criteria: GeneDx Variant Classification Process June 2021. Collection method: clinical testing. Allele origin: germline. Affected: yes.
Comment: Nonsense variant predicted to result in protein truncation or nonsense mediated decay in a gene for which loss-of-function is a known mechanism of disease; Not observed at significant frequency in large population cohorts (gnomAD); Has not been previously published as pathogenic or benign to our knowledge